The following is an entry in ClinVar:

NM_000136.3(FANCC):c.1329+126T>C

Genes: AOPEP (aminopeptidase O (putative); plus strand), FANCC (FA complementation group C; minus strand). Cytogenetic location: 9q22.32.
Variant type: single nucleotide variant.
Coding change: c.1329+126T>C on transcript NM_000136.3 (MANE Select); 126 bases into the intron after coding-DNA position 1329, T replaced by C.
Molecular consequence: intron variant. On other transcripts: synonymous variant (1).
Genome position (GRCh38, 1-based): chr9:95,111,337, A>G on the plus strand (T>C on the coding strand, the complement: FANCC is on the minus strand). VCF-style: chr9-95111337-A-G. GRCh37 (hg19) VCF-style: chr9-97873619-A-G.
Other names: c.1338T>C, p.Tyr446= (NM_001243744.2); c.1329+126T>C (NM_001243743.2).
Identifiers: ClinVar variation 3040319 (VCV003040319.2), dbSNP rs188460611, ClinGen allele CA5137378.
Genomic context (GRCh38, chr9:95,111,337, plus strand): 5'-GACAGGAGAACGCCTCTGACCACAAGGCTGGAGATCACCATGCCTGCAGGTTGCCATGAC[A>G]TATGCCATCTGTGGGCAGAGCTCAGGTGTCATGGAAGCCAAGCCCACAACAGAGCCCCTC-3'

ClinVar aggregate classification (germline): Likely benign (0 of 4 stars; one submission).

Conditions:
FANCC-related disorder. Also called: FANCC-related condition.

Allele frequency attached by ClinVar (database versions not stated): ExAC 0.00042; 1000 Genomes Project 0.00140; gnomAD 0.00153; 1000 Genomes Project 30x 0.00172; TOPMed 0.00178.
gnomAD v4.1: 427 of 1,598,032 alleles (0.027%); highest among the groups gnomAD compares: African/African-American, 0.51%; 1 homozygote.

Submission:

PreventionGenetics, part of Exact Sciences
Classification: Likely benign for FANCC-related condition. Last evaluated: 2019-10-28. Review status: no assertion criteria provided. Collection method: clinical testing. Allele origin: germline.
Comment: This variant is classified as likely benign based on ACMG/AMP sequence variant interpretation guidelines (Richards et al. 2015 PMID: 25741868, with internal and published modifications).